The following is an entry in ClinVar:

NM_001379200.1(TBX1):c.538C>T (p.Arg180Trp)

Gene: TBX1 (T-box transcription factor 1; plus strand). Cytogenetic location: 22q11.21.
Variant type: single nucleotide variant.
Coding change: c.538C>T on transcript NM_001379200.1 (MANE Select); coding-DNA position 538, C replaced by T.
Protein change: p.Arg180Trp; replaces arginine 180 with tryptophan.
Molecular consequence: missense variant.
Genome position (GRCh38, 1-based): chr22:19,763,341, C>T. VCF-style: chr22-19763341-C-T. GRCh37 (hg19) VCF-style: chr22-19750864-C-T.
Other names: c.511C>T, p.Arg171Trp (NM_005992.1, NM_080646.2, NM_080647.1); short protein forms R171W, R180W.
Identifiers: ClinVar variation 2194601 (VCV002194601.4), dbSNP rs746384751, ClinGen allele CA410682440.
Genomic context (GRCh38, chr22:19,763,341, plus strand): 5'-GATCCCATGGCCGACTATATGCTGCTCATGGACTTCGTGCCGGTGGACGATAAGCGCTAC[C>T]GGTGAGCGAGTGGTTGTAAGCGTGAGGGACCGGGAGGGCACCCTGGAAAGTGGCGGGTCT-3'
Protein context (NP_001366129.1, residues 170-190): DFVPVDDKRY[Arg180Trp]YAFHSSSWLV

ClinVar aggregate classification (germline): Uncertain significance (1 of 4 stars; one submission).

Conditions:
DiGeorge syndrome. Also called: THIRD AND FOURTH PHARYNGEAL POUCH SYNDROME; Catch22. Identifiers: Orphanet 567, MedGen C0012236, MONDO:0008564, OMIM 188400.

Allele frequency attached by ClinVar (database versions not stated): gnomAD 0.00001.
gnomAD v4.1: 1 of 1,613,948 alleles (0.000062%); highest among the groups gnomAD compares: East Asian, 0.0022%; no homozygotes.

Submission:

Labcorp Genetics (formerly Invitae), Labcorp
Classification: Uncertain significance for DiGeorge syndrome. Last evaluated: 2022-11-23. Review status: criteria provided, single submitter. Criteria: Invitae Variant Classification Sherloc (09022015). Collection method: clinical testing. Allele origin: germline.
Comment: This variant is not present in population databases (gnomAD no frequency). This sequence change replaces arginine, which is basic and polar, with tryptophan, which is neutral and slightly polar, at codon 171 of the TBX1 protein (p.Arg171Trp). This variant has not been reported in the literature in individuals affected with TBX1-related conditions. Algorithms developed to predict the effect of missense changes on protein structure and function are either unavailable or do not agree on the potential impact of this missense change (SIFT: "Deleterious"; PolyPhen-2: "Probably Damaging"; Align-GVGD: "Class C0"). In summary, the available evidence is currently insufficient to determine the role of this variant in disease. Therefore, it has been classified as a Variant of Uncertain Significance.